The following is an entry in ClinVar:

ClinVar aggregate classification (germline): Uncertain significance (1 of 4 stars; one submission).

Conditions:
Sclerosteosis 2 (SOST2). Identifiers: Orphanet 3152, MedGen C3280402, MONDO:0013679, OMIM 614305.
Cenani-Lenz syndactyly syndrome. Also called: CENANI SYNDACTYLISM; SYNDACTYLY, TYPE VII. Identifiers: Orphanet 3258, MedGen C1859309, MONDO:0008931, OMIM 212780.
Congenital myasthenic syndrome 17. Identifiers: Orphanet 590, MedGen C4225377, MONDO:0014578, OMIM 616304.

Submission:

Labcorp Genetics (formerly Invitae), Labcorp
Classification: Uncertain significance for Cenani-Lenz syndactyly syndrome; Sclerosteosis 2; Congenital myasthenic syndrome 17. Last evaluated: 2021-05-14. Review status: criteria provided, single submitter. Criteria: Invitae Variant Classification Sherloc (09022015). Collection method: clinical testing. Allele origin: germline.
Comment: This variant is not present in population databases (ExAC no frequency). In summary, the available evidence is currently insufficient to determine the role of this variant in disease. Therefore, it has been classified as a Variant of Uncertain Significance. Algorithms developed to predict the effect of missense changes on protein structure and function (SIFT, PolyPhen-2, Align-GVGD) all suggest that this variant is likely to be disruptive, but these predictions have not been confirmed by published functional studies and their clinical significance is uncertain. This variant has not been reported in the literature in individuals with LRP4-related conditions. This sequence change replaces cysteine with arginine at codon 1637 of the LRP4 protein (p.Cys1637Arg). The cysteine residue is highly conserved and there is a large physicochemical difference between cysteine and arginine.

NM_002334.4(LRP4):c.4909T>C (p.Cys1637Arg)

Genes: LRP4 (LDL receptor related protein 4; minus strand), LRP4-AS1 (LRP4 antisense RNA 1; plus strand). Cytogenetic location: 11p11.2.
Variant type: single nucleotide variant.
Coding change: c.4909T>C on transcript NM_002334.4 (MANE Select); coding-DNA position 4909, T replaced by C.
Protein change: p.Cys1637Arg; replaces cysteine 1637 with arginine.
Molecular consequence: missense variant.
Genome position (GRCh38, 1-based): chr11:46,868,642, A>G on the plus strand (T>C on the coding strand, the complement: LRP4 is on the minus strand). VCF-style: chr11-46868642-A-G. GRCh37 (hg19) VCF-style: chr11-46890193-A-G.
Other names: short protein forms C1637R.
Identifiers: ClinVar variation 1395127 (VCV001395127.8), dbSNP rs2134776522, ClinGen allele CA380263584.